The following is an entry in ClinVar:

NM_058216.3(RAD51C):c.187del (p.Ile63fs)

Gene: RAD51C (RAD51 paralog C; plus strand). Cytogenetic location: 17q22.
Variant type: Deletion.
Coding change: c.187del on transcript NM_058216.3 (MANE Select); coding-DNA position 187, one base deleted (A; older notation c.187delA).
Protein change: p.Ile63fs; shifts the reading frame from isoleucine 63.
Molecular consequence: frameshift variant. On other transcripts: non-coding transcript variant (2).
Genome position (GRCh38, 1-based): chr17:58,694,972, A deleted; the last of 3 consecutive A bases (chr17:58,694,970-58,694,972); deleting any one gives the same sequence. VCF-style (leftmost placement, unchanged base first): chr17-58694969-CA-C. GRCh37 (hg19) VCF-style: chr17-56772330-CA-C.
Other names: c.187del, p.Ile63fs (NM_002876.4); short protein forms I63fs.
Identifiers: ClinVar variation 4294213 (VCV004294213.1).

ClinVar aggregate classification (germline): Pathogenic (1 of 4 stars; one submission).

Conditions:
Breast-ovarian cancer, familial, susceptibility to, 3. Also called: RAD51C-Related Breast/Ovarian Cancer. Identifiers: Orphanet 145, MedGen C3150659, MONDO:0013253, OMIM 613399.

Submission:

Myriad Genetics, Inc.
Classification: Pathogenic for Breast-ovarian cancer, familial, susceptibility to, 3. Last evaluated: 2025-09-16. Review status: criteria provided, single submitter. Criteria: Myriad Autosomal Dominant, Autosomal Recessive and X-Linked Classification Criteria (2023). Collection method: clinical testing. Allele origin: unknown.
Comment: This variant is considered pathogenic. This variant creates a frameshift predicted to result in premature protein truncation.